The following is an entry in ClinVar:

NM_002691.4(POLD1):c.1155C>A (p.Ile385=)

Gene: POLD1 (DNA polymerase delta 1, catalytic subunit; plus strand). Cytogenetic location: 19q13.33.
Variant type: single nucleotide variant.
Coding change: c.1155C>A on transcript NM_002691.4 (MANE Select); coding-DNA position 1155, C replaced by A.
Protein change: p.Ile385=; no amino-acid change (isoleucine 385 retained).
Molecular consequence: synonymous variant. On other transcripts: non-coding transcript variant (1).
Genome position (GRCh38, 1-based): chr19:50,403,510, C>A. VCF-style: chr19-50403510-C-A. GRCh37 (hg19) VCF-style: chr19-50906767-C-A.
Other names: c.1155C>A, p.Ile385= (NM_001256849.1, NM_001308632.1).
Identifiers: ClinVar variation 484379 (VCV000484379.17), dbSNP rs1555790563, ClinGen allele CA508182985.

ClinVar aggregate classification (germline): Benign/Likely benign. Review status: criteria provided, multiple submitters, no conflicts (2 of 4 stars). 3 submissions from 3 submitters: Benign (1); Likely benign (2). Last evaluated 2025-12-21.

Conditions:
POLD1-related polyposis and colorectal cancer syndrome (CRCS10). Also called: Colorectal cancer 10; COLORECTAL CANCER, SUSCEPTIBILITY TO, ON CHROMOSOME 19q; Colorectal cancer, susceptibility to, 10. Identifiers: Orphanet 220460, MedGen C2675481, MONDO:0012953, OMIM 612591.
Hereditary cancer-predisposing syndrome. Also called: Tumor predisposition; Hereditary Cancer Syndrome; Hereditary neoplastic syndrome; Neoplastic Syndromes, Hereditary. Identifiers: Orphanet 140162, MedGen C0027672, MeSH D009386, MONDO:0015356.

gnomAD v4.1: 13 of 1,613,662 alleles (0.00081%); highest among the groups gnomAD compares: Non-Finnish European, 0.001%; no homozygotes.

Submissions (3):

Labcorp Genetics (formerly Invitae), Labcorp
Classification: Likely benign for POLD1-related polyposis and colorectal cancer syndrome. Last evaluated: 2025-12-21. Review status: criteria provided, single submitter. Criteria: Invitae Variant Classification Sherloc (09022015). Collection method: clinical testing. Allele origin: germline.

Myriad Genetics, Inc.
Classification: Benign for POLD1-related polyposis and colorectal cancer syndrome. Last evaluated: 2025-02-05. Review status: criteria provided, single submitter. Criteria: Myriad Autosomal Dominant, Autosomal Recessive and X-Linked Classification Criteria (2023). Collection method: clinical testing. Allele origin: unknown.
Comment: This variant is considered benign. This variant is a silent/synonymous amino acid change and it is not expected to impact splicing.

Ambry Genetics
Classification: Likely benign for Hereditary cancer-predisposing syndrome. Last evaluated: 2016-10-11. Review status: criteria provided, single submitter. Criteria: Ambry Variant Classification Scheme 2023. Collection method: clinical testing. Allele origin: germline.